The following is an entry in ClinVar:

ClinVar aggregate classification (germline): Uncertain significance (1 of 4 stars; one submission).

Conditions:
Hereditary cancer-predisposing syndrome. Also called: Tumor predisposition; Neoplastic Syndromes, Hereditary; Hereditary Cancer Syndrome; Hereditary neoplastic syndrome. Identifiers: Orphanet 140162, MedGen C0027672, MeSH D009386, MONDO:0015356.

Submission:

Ambry Genetics
Classification: Uncertain significance for Hereditary cancer-predisposing syndrome. Last evaluated: 2019-05-24. Review status: criteria provided, single submitter. Criteria: Ambry Variant Classification Scheme 2023. Collection method: clinical testing. Allele origin: germline.
Comment: The p.L1934Q variant (also known as c.5801T>A), located in coding exon 38 of the ATM gene, results from a T to A substitution at nucleotide position 5801. The leucine at codon 1934 is replaced by glutamine, an amino acid with dissimilar properties. This amino acid position is highly conserved in available vertebrate species. In addition, this alteration is predicted to be deleterious by in silico analysis. Since supporting evidence is limited at this time, the clinical significance of this alteration remains unclear.

NM_000051.4(ATM):c.5801T>A (p.Leu1934Gln)

Genes: ATM (ATM serine/threonine kinase; plus strand), C11orf65 (chromosome 11 open reading frame 65; minus strand). Cytogenetic location: 11q22.3.
Variant type: single nucleotide variant.
Coding change: c.5801T>A on transcript NM_000051.4 (MANE Select); coding-DNA position 5801, T replaced by A.
Protein change: p.Leu1934Gln; replaces leucine 1934 with glutamine.
Molecular consequence: missense variant. On other transcripts: intron variant (2).
Genome position (GRCh38, 1-based): chr11:108,310,198, T>A. VCF-style: chr11-108310198-T-A. GRCh37 (hg19) VCF-style: chr11-108180925-T-A.
Other names: c.5801T>A, p.Leu1934Gln (NM_001351834.2); c.641-1127A>T (NM_001330368.2); c.*39-1127A>T (NM_001351110.2); short protein forms L1934Q.
Identifiers: ClinVar variation 825983 (VCV000825983.6), dbSNP rs1591745717, ClinGen allele CA382548354.